The following is an entry in ClinVar:

ClinVar aggregate classification (germline): Uncertain significance (1 of 4 stars; one submission).

Conditions:
Myopathy, proximal, and ophthalmoplegia (CMYO6). Also called: CONGENITAL MYOPATHY 6 WITH OPHTHALMOPLEGIA; MYOPATHY WITH CONGENITAL JOINT CONTRACTURES, OPHTHALMOPLEGIA, AND RIMMED VACUOLES; INCLUSION BODY MYOPATHY 3, AUTOSOMAL DOMINANT. Identifiers: Orphanet 363677, Orphanet 79091, MedGen C1854106, MONDO:0011577, OMIM 605637.

Submission:

Labcorp Genetics (formerly Invitae), Labcorp
Classification: Uncertain significance for Myopathy, proximal, and ophthalmoplegia. Last evaluated: 2025-03-24. Review status: criteria provided, single submitter. Criteria: Invitae Variant Classification Sherloc (09022015). Collection method: clinical testing. Allele origin: germline.
Comment: This sequence change replaces phenylalanine, which is neutral and non-polar, with valine, which is neutral and non-polar, at codon 624 of the MYH2 protein (p.Phe624Val). This variant is not present in population databases (gnomAD no frequency). This variant has not been reported in the literature in individuals affected with MYH2-related conditions. Invitae Evidence Modeling of protein sequence and biophysical properties (such as structural, functional, and spatial information, amino acid conservation, physicochemical variation, residue mobility, and thermodynamic stability) indicates that this missense variant is not expected to disrupt MYH2 protein function with a negative predictive value of 80%. In summary, the available evidence is currently insufficient to determine the role of this variant in disease. Therefore, it has been classified as a Variant of Uncertain Significance.

NM_017534.6(MYH2):c.1870T>G (p.Phe624Val)

Genes: MYH2 (myosin heavy chain 2; minus strand), MYHAS (myosin heavy chain gene cluster antisense RNA; plus strand). Cytogenetic location: 17p13.1.
Variant type: single nucleotide variant.
Coding change: c.1870T>G on transcript NM_017534.6 (MANE Select); coding-DNA position 1870, T replaced by G.
Protein change: p.Phe624Val; replaces phenylalanine 624 with valine.
Molecular consequence: missense variant.
Genome position (GRCh38, 1-based): chr17:10,537,260, A>C on the plus strand (T>G on the coding strand, the complement: MYH2 is on the minus strand). VCF-style: chr17-10537260-A-C. GRCh37 (hg19) VCF-style: chr17-10440577-A-C.
Other names: c.1870T>G, p.Phe624Val (NM_001100112.2); short protein forms F624V.
Identifiers: ClinVar variation 4772721 (VCV004772721.1).